The following is an entry in ClinVar:

NM_018136.5(ASPM):c.297G>T (p.Gln99His)

Gene: ASPM (assembly factor for spindle microtubules; minus strand). Cytogenetic location: 1q31.3.
Variant type: single nucleotide variant.
Coding change: c.297G>T on transcript NM_018136.5 (MANE Select); coding-DNA position 297, G replaced by T.
Protein change: p.Gln99His; replaces glutamine 99 with histidine.
Molecular consequence: missense variant.
Genome position (GRCh38, 1-based): chr1:197,146,141, C>A on the plus strand (G>T on the coding strand, the complement: ASPM is on the minus strand). VCF-style: chr1-197146141-C-A. GRCh37 (hg19) VCF-style: chr1-197115271-C-A.
Other names: c.297G>T, p.Gln99His (NM_001206846.2); short protein forms Q99H.
Identifiers: ClinVar variation 2077528 (VCV002077528.4), dbSNP rs1658769586, ClinGen allele CA344021819.

ClinVar aggregate classification (germline): Uncertain significance (1 of 4 stars; one submission).

Allele frequency attached by ClinVar (database versions not stated): gnomAD exomes below 0.00001; TOPMed below 0.00001.
gnomAD v4.1: 4 of 1,614,030 alleles (0.00025%); highest among the groups gnomAD compares: Non-Finnish European, 0.00034%; no homozygotes.

Submission:

Labcorp Genetics (formerly Invitae), Labcorp
Classification: Uncertain significance. Last evaluated: 2024-02-24. Review status: criteria provided, single submitter. Criteria: Invitae Variant Classification Sherloc (09022015). Collection method: clinical testing. Allele origin: germline.
Comment: This sequence change replaces glutamine, which is neutral and polar, with histidine, which is basic and polar, at codon 99 of the ASPM protein (p.Gln99His). This variant also falls at the last nucleotide of exon 1, which is part of the consensus splice site for this exon. This variant is not present in population databases (gnomAD no frequency). This variant has not been reported in the literature in individuals affected with ASPM-related conditions. ClinVar contains an entry for this variant (Variation ID: 2077528). An algorithm developed to predict the effect of missense changes on protein structure and function (PolyPhen-2) suggests that this variant is likely to be disruptive. Variants that disrupt the consensus splice site are a relatively common cause of aberrant splicing (PMID: 17576681, 9536098). Algorithms developed to predict the effect of sequence changes on RNA splicing suggest that this variant may disrupt the consensus splice site. In summary, the available evidence is currently insufficient to determine the role of this variant in disease. Therefore, it has been classified as a Variant of Uncertain Significance.

Literature cited by the submitters: PubMed 17576681; PubMed 9536098.